The following is an entry in ClinVar:

NM_201384.3(PLEC):c.10939C>T (p.Leu3647Phe)

Gene: PLEC (plectin; minus strand). Cytogenetic location: 8q24.3.
Variant type: single nucleotide variant.
Coding change: c.10939C>T on transcript NM_201384.3 (MANE Select); coding-DNA position 10939, C replaced by T.
Protein change: p.Leu3647Phe; replaces leucine 3647 with phenylalanine.
Molecular consequence: missense variant.
Genome position (GRCh38, 1-based): chr8:143,918,882, G>A on the plus strand (C>T on the coding strand, the complement: PLEC is on the minus strand). VCF-style: chr8-143918882-G-A. GRCh37 (hg19) VCF-style: chr8-144993050-G-A.
Other names: c.10951C>T, p.Leu3651Phe (NM_201383.3); c.11020C>T, p.Leu3674Phe (NM_000445.5); c.7639C>T, p.Leu2547Phe (NM_001410941.1); c.10897C>T, p.Leu3633Phe (NM_201378.4); c.10873C>T, p.Leu3625Phe (NM_201379.3); c.11350C>T, p.Leu3784Phe (NM_201380.4); c.10843C>T, p.Leu3615Phe (NM_201381.3); c.10939C>T, p.Leu3647Phe (NM_201382.4); short protein forms L2547F, L3615F, L3625F, L3633F, L3647F, L3651F, L3674F, L3784F.
Identifiers: ClinVar variation 3755120 (VCV003755120.2).

ClinVar aggregate classification (germline): Uncertain significance (1 of 4 stars; one submission).

Conditions:
Epidermolysis bullosa simplex with nail dystrophy (EBS5D). Identifiers: MedGen C4225309, MONDO:0014661, OMIM 616487.
Epidermolysis bullosa simplex, Ogna type (EBS5A). Also called: Pidermolysis bullosa simplex 5A, Ogna type; EPIDERMOLYSIS BULLOSA SIMPLEX 5A, OGNA TYPE. Identifiers: Orphanet 79401, MedGen C0432317, MONDO:0007555, OMIM 131950.
Autosomal recessive limb-girdle muscular dystrophy type 2Q (LGMDR17). Also called: MUSCULAR DYSTROPHY, LIMB-GIRDLE, AUTOSOMAL RECESSIVE 17. Identifiers: Orphanet 254361, MedGen C3150989, MONDO:0013390, OMIM 613723.
Epidermolysis bullosa simplex 5B, with muscular dystrophy (EBS5B). Also called: EPIDERMOLYSIS BULLOSA SIMPLEX AND LIMB-GIRDLE MUSCULAR DYSTROPHY; Epidermolysis bullosa simplex with muscular dystrophy. Identifiers: Orphanet 257, MedGen C2931072, MONDO:0009181, OMIM 226670.
Epidermolysis bullosa simplex 5C, with pyloric atresia (EBS5C). Also called: PLEC-Related Epidermolysis Bullosa with Pyloric Atresia; Epidermolysis bullosa simplex with pyloric atresia; PLEC1-Related Epidermolysis Bullosa with Pyloric Atresia. Identifiers: Orphanet 158684, MedGen C2677349, MONDO:0012807, OMIM 612138.

gnomAD v4.1: 1 of 1,612,356 alleles (0.000062%); highest among the groups gnomAD compares: Non-Finnish European, 0.000085%; no homozygotes.

Submission:

Labcorp Genetics (formerly Invitae), Labcorp
Classification: Uncertain significance for Autosomal recessive limb-girdle muscular dystrophy type 2Q; Epidermolysis bullosa simplex, Ogna type; Epidermolysis bullosa simplex with nail dystrophy; Epidermolysis bullosa simplex 5C, with pyloric atresia; Epidermolysis bullosa simplex 5B, with muscular dystrophy. Last evaluated: 2024-03-05. Review status: criteria provided, single submitter. Criteria: Invitae Variant Classification Sherloc (09022015). Collection method: clinical testing. Allele origin: germline.
Comment: This sequence change replaces leucine, which is neutral and non-polar, with phenylalanine, which is neutral and non-polar, at codon 3674 of the PLEC protein (p.Leu3674Phe). This variant is not present in population databases (gnomAD no frequency). This variant has not been reported in the literature in individuals affected with PLEC-related conditions. An algorithm developed to predict the effect of missense changes on protein structure and function (PolyPhen-2) suggests that this variant is likely to be disruptive. In summary, the available evidence is currently insufficient to determine the role of this variant in disease. Therefore, it has been classified as a Variant of Uncertain Significance.